The following is an entry in ClinVar:

NM_024635.4(NAA35):c.1798G>A (p.Gly600Ser)

Gene: NAA35 (N-alpha-acetyltransferase 35, NatC auxiliary subunit; plus strand). Cytogenetic location: 9q21.33.
Variant type: single nucleotide variant.
Coding change: c.1798G>A on transcript NM_024635.4 (MANE Select); coding-DNA position 1798, G replaced by A.
Protein change: p.Gly600Ser; replaces glycine 600 with serine.
Molecular consequence: missense variant.
Genome position (GRCh38, 1-based): chr9:86,018,279, G>A. VCF-style: chr9-86018279-G-A. GRCh37 (hg19) VCF-style: chr9-88633194-G-A.
Other names: c.1798G>A, p.Gly600Ser (NM_001321881.2, NM_001321882.2); short protein forms G600S.
Identifiers: ClinVar variation 2918651 (VCV002918651.3), dbSNP rs755639991, ClinGen allele CA5107525.

ClinVar aggregate classification (germline): Uncertain significance (1 of 4 stars; one submission).

Allele frequency attached by ClinVar (database versions not stated): ExAC 0.00001; TOPMed 0.00001; gnomAD exomes 0.00002.
gnomAD v4.1: 30 of 1,612,690 alleles (0.0019%); highest among the groups gnomAD compares: South Asian, 0.0077%; no homozygotes.

Submission:

Labcorp Genetics (formerly Invitae), Labcorp
Classification: Uncertain significance. Last evaluated: 2023-08-23. Review status: criteria provided, single submitter. Criteria: Invitae Variant Classification Sherloc (09022015). Collection method: clinical testing. Allele origin: germline.
Comment: An algorithm developed to predict the effect of missense changes on protein structure and function (PolyPhen-2) suggests that this variant is likely to be tolerated. In summary, the available evidence is currently insufficient to determine the role of this variant in disease. Therefore, it has been classified as a Variant of Uncertain Significance. This variant has not been reported in the literature in individuals affected with NAA35-related conditions. This variant is present in population databases (rs755639991, gnomAD 0.01%). This sequence change replaces glycine, which is neutral and non-polar, with serine, which is neutral and polar, at codon 600 of the NAA35 protein (p.Gly600Ser).